The following is an entry in ClinVar:

NM_004208.4(AIFM1):c.1642C>T (p.Pro548Ser)

Genes: AIFM1 (apoptosis inducing factor mitochondria associated 1; minus strand), RAB33A (RAB33A, member RAS oncogene family; plus strand). Cytogenetic location: Xq26.1.
Variant type: single nucleotide variant.
Coding change: c.1642C>T on transcript NM_004208.4 (MANE Select); coding-DNA position 1642, C replaced by T.
Protein change: p.Pro548Ser; replaces proline 548 with serine.
Molecular consequence: missense variant. On other transcripts: 3 prime UTR variant (1), non-coding transcript variant (1).
Genome position (GRCh38, 1-based): chrX:130,130,098, G>A on the plus strand (C>T on the coding strand, the complement: AIFM1 is on the minus strand). VCF-style: chrX-130130098-G-A. GRCh37 (hg19) VCF-style: chrX-129264073-G-A.
Other names: p.P548S:CCG>TCG; c.625C>T, p.Pro209Ser (NM_001130846.4); c.*870C>T (NM_001130847.4); c.1630C>T, p.Pro544Ser (NM_145812.3); short protein forms P548S, P544S, P209S.
Identifiers: ClinVar variation 214081 (VCV000214081.4), dbSNP rs863223897, ClinGen allele CA323519.

ClinVar aggregate classification (germline): Conflicting classifications of pathogenicity. Review status: criteria provided, conflicting classifications (1 of 4 stars). 3 submissions from 3 submitters: Uncertain significance (2); Likely benign (1). Last evaluated 2026-02-04.

Conditions:
AIFM1-related disorder. Also called: AIFM1-related condition.
Combined oxidative phosphorylation deficiency. Identifiers: MedGen C4540031, MONDO:0000732.
Charcot-Marie-Tooth Neuropathy X. Identifiers: MedGen CN118851.

Allele frequency attached by ClinVar (database versions not stated): gnomAD exomes below 0.00001; TOPMed 0.00001.
gnomAD v4.1: 4 of 1,211,852 alleles (0.00033%); highest among the groups gnomAD compares: Middle Eastern, 0.069%; no homozygotes.

Submissions (3):

PreventionGenetics, part of Exact Sciences
Classification: Uncertain significance for AIFM1-related condition. Last evaluated: 2026-02-04. Review status: criteria provided, single submitter. Criteria: ACMG Guidelines, 2015. Collection method: clinical testing. Allele origin: germline.
Comment: The AIFM1 c.1642C>T variant is predicted to result in the amino acid substitution p.Pro548Ser. To our knowledge, this variant has not been reported in the literature or in a large population database (gnomAD), indicating this variant is rare. At this time, the clinical significance of this variant is uncertain due to the absence of conclusive functional and genetic evidence.

Labcorp Genetics (formerly Invitae), Labcorp
Classification: Uncertain significance for Charcot-Marie-Tooth Neuropathy X; Combined oxidative phosphorylation deficiency. Last evaluated: 2024-02-07. Review status: criteria provided, single submitter. Criteria: Invitae Variant Classification Sherloc (09022015). Collection method: clinical testing. Allele origin: germline.
Comment: This sequence change replaces proline, which is neutral and non-polar, with serine, which is neutral and polar, at codon 548 of the AIFM1 protein (p.Pro548Ser). This variant is not present in population databases (gnomAD no frequency). This variant has not been reported in the literature in individuals affected with AIFM1-related conditions. ClinVar contains an entry for this variant (Variation ID: 214081). Advanced modeling of protein sequence and biophysical properties (such as structural, functional, and spatial information, amino acid conservation, physicochemical variation, residue mobility, and thermodynamic stability) performed at Invitae indicates that this missense variant is not expected to disrupt AIFM1 protein function with a negative predictive value of 95%. In summary, the available evidence is currently insufficient to determine the role of this variant in disease. Therefore, it has been classified as a Variant of Uncertain Significance.

GeneDx
Classification: Likely benign. Last evaluated: 2013-12-30. Review status: criteria provided, single submitter. Criteria: GeneDx Variant Classification (06012015). Collection method: clinical testing. Allele origin: germline. Affected: yes.
Comment: This variant is considered likely benign or benign based on one or more of the following criteria: it is a conservative change, it occurs at a poorly conserved position in the protein, it is predicted to be benign by multiple in silico algorithms, and/or has population frequency not consistent with disease.